The following is an entry in ClinVar:

ClinVar aggregate classification (germline): Uncertain significance (1 of 4 stars; one submission).

gnomAD v4.1: 1 of 1,551,958 alleles (0.000064%); highest among the groups gnomAD compares: Non-Finnish European, 0.000087%; no homozygotes.

Submission:

Labcorp Genetics (formerly Invitae), Labcorp
Classification: Uncertain significance. Last evaluated: 2025-07-02. Review status: criteria provided, single submitter. Criteria: Invitae Variant Classification Sherloc (09022015). Collection method: clinical testing. Allele origin: germline.
Comment: This sequence change replaces valine, which is neutral and non-polar, with methionine, which is neutral and non-polar, at codon 115 of the COLGALT1 protein (p.Val115Met). This variant is not present in population databases (gnomAD no frequency). This variant has not been reported in the literature in individuals affected with COLGALT1-related conditions. Invitae Evidence Modeling of protein sequence and biophysical properties (such as structural, functional, and spatial information, amino acid conservation, physicochemical variation, residue mobility, and thermodynamic stability) indicates that this missense variant is expected to disrupt COLGALT1 protein function with a positive predictive value of 80%. In summary, the available evidence is currently insufficient to determine the role of this variant in disease. Therefore, it has been classified as a Variant of Uncertain Significance.

NM_024656.4(COLGALT1):c.343G>A (p.Val115Met)

Gene: COLGALT1 (collagen beta(1-O)galactosyltransferase 1; plus strand). Cytogenetic location: 19p13.11.
Variant type: single nucleotide variant.
Coding change: c.343G>A on transcript NM_024656.4 (MANE Select); coding-DNA position 343, G replaced by A.
Protein change: p.Val115Met; replaces valine 115 with methionine.
Molecular consequence: missense variant.
Genome position (GRCh38, 1-based): chr19:17,559,393, G>A. VCF-style: chr19-17559393-G-A. GRCh37 (hg19) VCF-style: chr19-17670202-G-A.
Other names: short protein forms V115M.
Identifiers: ClinVar variation 4767536 (VCV004767536.1).